The following is an entry in ClinVar:

NM_033305.3(VPS13A):c.2427+4A>T

Gene: VPS13A (vacuolar protein sorting 13 homolog A; plus strand). Cytogenetic location: 9q21.2.
Variant type: single nucleotide variant.
Coding change: c.2427+4A>T on transcript NM_033305.3 (MANE Select); 4 bases into the intron after coding-DNA position 2427, A replaced by T.
Molecular consequence: intron variant.
Genome position (GRCh38, 1-based): chr9:77,260,228, A>T. VCF-style: chr9-77260228-A-T. GRCh37 (hg19) VCF-style: chr9-79875144-A-T.
Other names: c.2427+4A>T (NM_001018037.2, NM_015186.4, NM_001018038.3).
Identifiers: ClinVar variation 2998546 (VCV002998546.3), dbSNP rs2537751160, ClinGen allele CA2579359912.

ClinVar aggregate classification (germline): Uncertain significance (1 of 4 stars; one submission).

Allele frequency attached by ClinVar (database versions not stated): gnomAD exomes below 0.00001.
gnomAD v4.1: 1 of 1,612,638 alleles (0.000062%); highest among the groups gnomAD compares: Non-Finnish European, 0.000085%; no homozygotes.

Submission:

Labcorp Genetics (formerly Invitae), Labcorp
Classification: Uncertain significance. Last evaluated: 2023-11-27. Review status: criteria provided, single submitter. Criteria: Invitae Variant Classification Sherloc (09022015). Collection method: clinical testing. Allele origin: germline.
Comment: This sequence change falls in intron 23 of the VPS13A gene. It does not directly change the encoded amino acid sequence of the VPS13A protein. It affects a nucleotide within the consensus splice site. This variant is not present in population databases (gnomAD no frequency). This variant has not been reported in the literature in individuals affected with VPS13A-related conditions. Variants that disrupt the consensus splice site are a relatively common cause of aberrant splicing (PMID: 17576681, 9536098). Algorithms developed to predict the effect of sequence changes on RNA splicing suggest that this variant is not likely to affect RNA splicing. In summary, the available evidence is currently insufficient to determine the role of this variant in disease. Therefore, it has been classified as a Variant of Uncertain Significance.

Literature cited by the submitters: PubMed 17576681; PubMed 9536098.